The following is an entry in ClinVar:

NM_003803.4(MYOM1):c.4181A>G (p.Asp1394Gly)

Gene: MYOM1 (myomesin 1; minus strand). Cytogenetic location: 18p11.31.
Variant type: single nucleotide variant.
Coding change: c.4181A>G on transcript NM_003803.4 (MANE Select); coding-DNA position 4181, A replaced by G.
Protein change: p.Asp1394Gly; replaces aspartic acid 1394 with glycine.
Molecular consequence: missense variant.
Genome position (GRCh38, 1-based): chr18:3,086,108, T>C on the plus strand (A>G on the coding strand, the complement: MYOM1 is on the minus strand). VCF-style: chr18-3086108-T-C. GRCh37 (hg19) VCF-style: chr18-3086106-T-C.
Other names: c.3893A>G, p.Asp1298Gly (NM_019856.2); short protein forms D1394G, D1298G.
Identifiers: ClinVar variation 454453 (VCV000454453.12), dbSNP rs374142554, ClinGen allele CA8874020.
Genomic context (GRCh38, chr18:3,086,108, plus strand): 5'-AGCAGGGTACATATACCATCCTTAAAGTCATGCTTTTCATCCACTGATATCTCCCTCTCA[T>C]CTTTGTACCACACAATATGAGTCTCCTTCTTAATATTTGCCACCTAGGAGAAAAACCATA-3'
Protein context (NP_003794.3, residues 1384-1404): KKETHIVWYK[Asp1394Gly]EREISVDEKH

ClinVar aggregate classification (germline): Uncertain significance. Review status: criteria provided, multiple submitters, no conflicts (2 of 4 stars). 3 submissions from 3 submitters: Uncertain significance (3). Last evaluated 2025-11-09.

Conditions:
MYOM1-related non-immune fetal hydrops.
Hypertrophic cardiomyopathy. Also called: HYPERTROPHIC MYOCARDIOPATHY. Identifiers: Orphanet 217569, MedGen C0007194, MeSH D002312, MONDO:0005045, HP:0001639.

Allele frequency attached by ClinVar (database versions not stated): gnomAD exomes below 0.00001 and 0.00002; TOPMed 0.00001; ExAC 0.00004; gnomAD 0.00006 and 0.00007; 1000 Genomes Project 30x 0.00016; 1000 Genomes Project 0.00020.

Submissions (4):

Labcorp Genetics (formerly Invitae), Labcorp
Classification: Uncertain significance for Hypertrophic cardiomyopathy. Last evaluated: 2025-11-09. Review status: criteria provided, single submitter. Criteria: Invitae Variant Classification Sherloc (09022015). Collection method: clinical testing. Allele origin: germline.
Comment: This sequence change replaces aspartic acid, which is acidic and polar, with glycine, which is neutral and non-polar, at codon 1394 of the MYOM1 protein (p.Asp1394Gly). This variant is present in population databases (rs374142554, gnomAD 0.005%). This variant has not been reported in the literature in individuals affected with MYOM1-related conditions. ClinVar contains an entry for this variant (Variation ID: 454453). Invitae Evidence Modeling of protein sequence and biophysical properties (such as structural, functional, and spatial information, amino acid conservation, physicochemical variation, residue mobility, and thermodynamic stability) has been performed for this missense variant. However, the output from this modeling did not meet the statistical confidence thresholds required to predict the impact of this variant on MYOM1 protein function. In summary, the available evidence is currently insufficient to determine the role of this variant in disease. Therefore, it has been classified as a Variant of Uncertain Significance.

Ambry Genetics
Classification: Uncertain significance. Last evaluated: 2024-06-26. Review status: criteria provided, single submitter. Criteria: Ambry Variant Classification Scheme 2023. Collection method: clinical testing. Allele origin: germline.

Baylor Genetics
Classification: Uncertain significance for MYOM1-related non-immune fetal hydrops. Last evaluated: 2024-03-07. Review status: criteria provided, single submitter. Criteria: ACMG Guidelines, 2015. Collection method: clinical testing. Allele origin: unknown.

Dr. Peter K. Rogan Lab, Western University
No classification provided (evidence only). Condition: Uterine corpus endometrial carcinoma. Review status: no classification provided. Collection method: in vitro. Allele origin: not applicable. Functional consequence: retained intron. Not counted in ClinVar's aggregate classification.